The following is an entry in ClinVar:

NM_002661.5(PLCG2):c.82A>T (p.Met28Leu)

Gene: PLCG2 (phospholipase C gamma 2; plus strand). Cytogenetic location: 16q23.3.
Variant type: single nucleotide variant.
Coding change: c.82A>T on transcript NM_002661.5 (MANE Select); coding-DNA position 82, A replaced by T.
Protein change: p.Met28Leu; replaces methionine 28 with leucine.
Molecular consequence: missense variant.
Genome position (GRCh38, 1-based): chr16:81,786,071, A>T. VCF-style: chr16-81786071-A-T. GRCh37 (hg19) VCF-style: chr16-81819676-A-T.
Other names: p.Met28Leu; short protein forms M28L.
Identifiers: ClinVar variation 440153 (VCV000440153.55), dbSNP rs61749044, ClinGen allele CA8193019.

ClinVar aggregate classification (germline): Benign/Likely benign. Review status: criteria provided, multiple submitters, no conflicts (2 of 4 stars). 9 submissions from 9 submitters: Benign (5); Likely benign (2). 2 of the submissions do not count toward it. Last evaluated 2026-08-01.

Conditions:
Familial cold autoinflammatory syndrome 3 (FCAS3). Also called: FAMILIAL ATYPICAL COLD URTICARIA; ANTIBODY DEFICIENCY AND IMMUNE DYSREGULATION, PLCG2-ASSOCIATED. Identifiers: Orphanet 300359, MedGen C3280914, MONDO:0013766, OMIM 614468.

Allele frequency attached by ClinVar (database versions not stated): gnomAD exomes 0.01547 and 0.01079; ESP Exome Variant Server 0.01032; ExAC 0.01113; 1000 Genomes Project 0.00839; 1000 Genomes Project 30x 0.00843; TOPMed 0.00918; gnomAD 0.00973 and 0.01013.
gnomAD v4.1: 23,883 of 1,614,186 alleles (1.5%); highest among the groups gnomAD compares: South Asian, 2%; 234 homozygotes.

Submissions (9):

CeGaT Center for Human Genetics Tuebingen
Classification: Benign. Last evaluated: 2026-08-01. Review status: criteria provided, single submitter. Criteria: CeGaT Center For Human Genetics Tuebingen Variant Classification Criteria Version 2. Collection method: clinical testing. Allele origin: germline. Affected: yes. Observed: 36 variant alleles.
Comment: PLCG2: BS1, BS2

Labcorp Genetics (formerly Invitae), Labcorp
Classification: Benign for Familial cold autoinflammatory syndrome 3. Last evaluated: 2026-02-03. Review status: criteria provided, single submitter. Criteria: Invitae Variant Classification Sherloc (09022015). Collection method: clinical testing. Allele origin: germline.

Women's Health and Genetics/Laboratory Corporation of America, LabCorp
Classification: Likely benign. Last evaluated: 2026-01-22. Review status: criteria provided, single submitter. Criteria: LabCorp Variant Classification Summary - May 2015. Collection method: clinical testing. Allele origin: germline.

ARUP Laboratories, Molecular Genetics and Genomics, ARUP Laboratories
Classification: Benign. Last evaluated: 2025-05-29. Review status: criteria provided, single submitter. Criteria: ARUP Molecular Germline Variant Investigation Process 2024. Collection method: clinical testing. Allele origin: germline.

Mayo Clinic Laboratories, Mayo Clinic
Classification: Benign. Last evaluated: 2025-05-21. Review status: criteria provided, single submitter. Criteria: ACMG Guidelines, 2015. Collection method: clinical testing. Allele origin: germline. Observed: 32 variant alleles.
Comment: BS1, BS2, BP4

Blueprint Genetics
Classification: Likely benign. Last evaluated: 2024-11-27. Review status: criteria provided, single submitter. Criteria: ACMG Guidelines, 2015. Collection method: clinical testing. Allele origin: germline.

Breakthrough Genomics
Classification: Benign. Review status: criteria provided, single submitter. Criteria: ACMG Guidelines, 2015. Collection method: not provided. Allele origin: germline. Inheritance: Autosomal dominant inheritance. Affected: yes.

Genome Diagnostics Laboratory, University Medical Center Utrecht
Classification: Likely benign. Review status: no assertion criteria provided. Collection method: clinical testing. Allele origin: germline. Affected: yes. Study: VKGL Data-share Consensus. Not counted in ClinVar's aggregate classification.

Joint Genome Diagnostic Labs from Nijmegen and Maastricht, Radboudumc and MUMC+
Classification: Benign. Review status: no assertion criteria provided. Collection method: clinical testing. Allele origin: germline. Affected: yes. Study: VKGL Data-share Consensus. Not counted in ClinVar's aggregate classification.

Literature cited by the submitters: PubMed 27542411 (cited by Mayo Clinic Laboratories, Mayo Clinic); PubMed 32853466 (cited by Mayo Clinic Laboratories, Mayo Clinic); PubMed 36113963 (cited by Mayo Clinic Laboratories, Mayo Clinic); PubMed 36166305 (cited by Mayo Clinic Laboratories, Mayo Clinic).